The following is an entry in ClinVar:

NM_001039348.3(EFEMP1):c.615T>A (p.Tyr205Ter)

Gene: EFEMP1 (EGF-like fibulin extracellular matrix protein 1; minus strand). Cytogenetic location: 2p16.1.
Variant type: single nucleotide variant.
Coding change: c.615T>A on transcript NM_001039348.3 (MANE Select); coding-DNA position 615, T replaced by A.
Protein change: p.Tyr205Ter; replaces tyrosine 205 with a stop codon.
Molecular consequence: nonsense.
Genome position (GRCh38, 1-based): chr2:55,881,637, A>T on the plus strand (T>A on the coding strand, the complement: EFEMP1 is on the minus strand). VCF-style: chr2-55881637-A-T. GRCh37 (hg19) VCF-style: chr2-56108772-A-T.
Other names: c.615T>A, p.Tyr205Ter (NM_001039349.3); c.[615T>A] (NM_001039348.3); short protein forms Y205*.
Identifiers: ClinVar variation 691885 (VCV000691885.3), dbSNP rs765517862, ClinGen allele CA347029486.

ClinVar aggregate classification (germline): Pathogenic. Review status: criteria provided, single submitter (1 of 4 stars). 2 submissions from 2 submitters: Pathogenic (1). 1 of the submissions does not count toward it. Last evaluated 2019-07-01.

Conditions:
Cutis laxa, autosomal recessive, type 1d. Identifiers: MedGen C5935602, MONDO:0958335, OMIM 620780.
Accelerated skeletal maturation. Also called: Advanced bone age. Identifiers: MedGen C0545053, HP:0005616.
Ectropion of lower eyelids. Identifiers: MedGen C0521736, HP:0007651.
High myopia. Also called: Severe Myopia. Identifiers: MedGen C0271183, HP:0011003.
Tall stature. Identifiers: MedGen C0241240, HP:0000098.
Generalized hypotonia. Identifiers: MedGen C1858120, HP:0001290.
Joint hypermobility. Also called: Joint hyperflexibility. Identifiers: MedGen C1862377, HP:0001382.
Dolichocephaly. Identifiers: MedGen C0221358, HP:0000268.
Arachnodactyly. Identifiers: MedGen C0003706, HP:0001166.
Inguinal hernia. Identifiers: MedGen C0019294, HP:0000023.
Scoliosis. Identifiers: MedGen C0036439, MONDO:0005392, HP:0002650.
Diverticulum of bladder. Also called: Bladder diverticulum. Identifiers: MedGen C0156273, MONDO:0007197, OMIM 109820, HP:0000015.
Pulmonary bulla. Identifiers: MedGen C0241982, HP:0032446.
Posterolateral diaphragmatic hernia. Identifiers: MedGen C0265700, HP:0025193.
Dural ectasia. Identifiers: MedGen C1851712, HP:0100775.

Submissions (2):

Women's and Children's Health, University of Otago
Classification: Pathogenic for Inguinal hernia; Posterolateral diaphragmatic hernia; Diverticulum of bladder; Pulmonary bulla; Dural ectasia; Scoliosis; High myopia; Tall stature; Ectropion of lower eyelids; Joint hypermobility; Generalized hypotonia; Dolichocephaly; Accelerated skeletal maturation; Arachnodactyly. Last evaluated: 2019-07-01. Review status: criteria provided, single submitter. Criteria: ACMG Guidelines, 2015. Collection method: provider interpretation, research. Allele origin: inherited, unknown. Inheritance: Autosomal recessive inheritance. Affected: yes and no. Observed: 1 heterozygote, 1 compound heterozygote.
Comment: Compound heterozygous variants resulting in significant knockdown of the EFEMP1 gene. EFEMP1 is a component of elastic tissue and the knockout mouse displays a very similar herniation phenotype to our individual (publication pending in EJHG)

OMIM
Classification: Pathogenic for CUTIS LAXA, AUTOSOMAL RECESSIVE, TYPE ID. Last evaluated: 2024-04-05. Review status: no assertion criteria provided. Collection method: literature only. Allele origin: germline. Not counted in ClinVar's aggregate classification.

Literature cited by the submitters: PubMed 31792352 (cited by OMIM).